The following is an entry in ClinVar:

ClinVar aggregate classification (germline): Uncertain significance (1 of 4 stars; one submission).

Allele frequency attached by ClinVar (database versions not stated): gnomAD 0.00005; gnomAD exomes 0.00005; TOPMed 0.00005; ExAC 0.00006.
gnomAD v4.1: 81 of 1,613,162 alleles (0.005%); highest among the groups gnomAD compares: Middle Eastern, 0.016%; no homozygotes.

Submission:

Labcorp Genetics (formerly Invitae), Labcorp
Classification: Uncertain significance. Last evaluated: 2022-03-22. Review status: criteria provided, single submitter. Criteria: Invitae Variant Classification Sherloc (09022015). Collection method: clinical testing. Allele origin: germline.
Comment: In summary, the available evidence is currently insufficient to determine the role of this variant in disease. Therefore, it has been classified as a Variant of Uncertain Significance. Algorithms developed to predict the effect of missense changes on protein structure and function (SIFT, PolyPhen-2, Align-GVGD) all suggest that this variant is likely to be tolerated. This variant has not been reported in the literature in individuals affected with NAXE-related conditions. This variant is present in population databases (rs773049023, gnomAD 0.01%). This sequence change replaces valine, which is neutral and non-polar, with leucine, which is neutral and non-polar, at codon 56 of the NAXE protein (p.Val56Leu).

NM_144772.3(NAXE):c.166G>C (p.Val56Leu)

Gene: NAXE (NAD(P)HX epimerase; plus strand). Cytogenetic location: 1q22.
Variant type: single nucleotide variant.
Coding change: c.166G>C on transcript NM_144772.3 (MANE Select); coding-DNA position 166, G replaced by C.
Protein change: p.Val56Leu; replaces valine 56 with leucine.
Molecular consequence: missense variant.
Genome position (GRCh38, 1-based): chr1:156,591,970, G>C. VCF-style: chr1-156591970-G-C. GRCh37 (hg19) VCF-style: chr1-156561762-G-C.
Other names: short protein forms V56L.
Identifiers: ClinVar variation 1466094 (VCV001466094.4), dbSNP rs773049023, ClinGen allele CA1162653.
Genomic context (GRCh38, chr1:156,591,970, plus strand): 5'-TGGGGACCGCAGCGGCTGAACTCGGGTGGCCGCTGGGACTCAGAGGTCATGGCGAGCACG[G>C]TGGTGAAGTACCTGAGGTAGGCACGGGTCTCGGGTGGCCTGCTCTGCCCCGGGGCGGGGC-3'
Protein context (NP_658985.2, residues 46-66): RWDSEVMAST[Val56Leu]VKYLSQEEAQ